The following is an entry in ClinVar:

ClinVar aggregate classification (germline): Uncertain significance (1 of 4 stars; one submission).

Submission:

GeneDx
Classification: Uncertain significance. Last evaluated: 2019-11-13. Review status: criteria provided, single submitter. Criteria: GeneDx Variant Classification Process June 2021. Collection method: clinical testing. Allele origin: germline. Affected: yes.
Comment: Not observed in large population cohorts (Lek et al., 2016); In silico analysis, which includes protein predictors and evolutionary conservation, supports that this variant does not alter protein structure/function; Has not been previously published as pathogenic or benign to our knowledge

NM_003611.3(OFD1):c.1003A>G (p.Ile335Val)

Gene: OFD1 (OFD1 centriole and centriolar satellite protein; plus strand). Cytogenetic location: Xp22.2.
Variant type: single nucleotide variant.
Coding change: c.1003A>G on transcript NM_003611.3 (MANE Select); coding-DNA position 1003, A replaced by G.
Protein change: p.Ile335Val; replaces isoleucine 335 with valine.
Molecular consequence: missense variant. On other transcripts: intron variant (1).
Genome position (GRCh38, 1-based): chrX:13,751,316, A>G. VCF-style: chrX-13751316-A-G. GRCh37 (hg19) VCF-style: chrX-13769435-A-G.
Other names: c.583A>G, p.Ile195Val (NM_001330210.2); c.935+1783A>G (NM_001330209.2); short protein forms I195V, I335V.
Identifiers: ClinVar variation 1309903 (VCV001309903.2), dbSNP rs2146992617, ClinGen allele CA412339840.